The following is an entry in ClinVar:

ClinVar aggregate classification (germline): Pathogenic (1 of 4 stars; one submission).

Submission:

Labcorp Genetics (formerly Invitae), Labcorp
Classification: Pathogenic. Last evaluated: 2025-02-01. Review status: criteria provided, single submitter. Criteria: Invitae Variant Classification Sherloc (09022015). Collection method: clinical testing. Allele origin: germline.
Comment: This sequence change creates a premature translational stop signal (p.Tyr1646Metfs*3) in the LRP2 gene. It is expected to result in an absent or disrupted protein product. Loss-of-function variants in LRP2 are known to be pathogenic (PMID: 17632512, 25682901). This variant is not present in population databases (gnomAD no frequency). This variant has not been reported in the literature in individuals affected with LRP2-related conditions. For these reasons, this variant has been classified as Pathogenic.

Literature cited by the submitters: PubMed 17632512; PubMed 25682901.

NM_004525.3(LRP2):c.4936del (p.Tyr1646fs)

Gene: LRP2 (LDL receptor related protein 2; minus strand). Cytogenetic location: 2q31.1.
Variant type: Deletion.
Coding change: c.4936del on transcript NM_004525.3 (MANE Select); coding-DNA position 4936, one base deleted (T; older notation c.4936delT).
Protein change: p.Tyr1646fs; shifts the reading frame from tyrosine 1646.
Molecular consequence: frameshift variant.
Genome position (GRCh38, 1-based): chr2:169,233,573, A deleted on the plus strand (T on the coding strand, the reverse complement: LRP2 is on the minus strand). VCF-style (leftmost placement, unchanged base first): chr2-169233572-TA-T. GRCh37 (hg19) VCF-style: chr2-170090082-TA-T.
Other names: short protein forms Y1646fs.
Identifiers: ClinVar variation 3673478 (VCV003673478.2).